The following is an entry in ClinVar:

NM_000038.6(APC):c.2092T>G (p.Leu698Val)

Gene: APC (APC regulator of Wnt signaling pathway; plus strand). Cytogenetic location: 5q22.2.
Variant type: single nucleotide variant.
Coding change: c.2092T>G on transcript NM_000038.6 (MANE Select); coding-DNA position 2092, T replaced by G.
Protein change: p.Leu698Val; replaces leucine 698 with valine.
Molecular consequence: missense variant.
Genome position (GRCh38, 1-based): chr5:112,837,686, T>G. VCF-style: chr5-112837686-T-G. GRCh37 (hg19) VCF-style: chr5-112173383-T-G.
Other names: c.2092T>G, p.Leu698Val (NM_001127510.3, NM_001354895.2); c.2038T>G, p.Leu680Val (NM_001127511.3); c.2146T>G, p.Leu716Val (NM_001354896.2); c.2122T>G, p.Leu708Val (NM_001354897.2); c.2017T>G, p.Leu673Val (NM_001354898.2); c.2008T>G, p.Leu670Val (NM_001354899.2); c.1969T>G, p.Leu657Val (NM_001354900.2); c.1915T>G, p.Leu639Val (NM_001354901.2); and 5 more; short protein forms L680V, L698V, L670V, L572V, L597V, L639V, L708V, L716V.
Identifiers: ClinVar variation 411379 (VCV000411379.10), dbSNP rs1060503279, ClinGen allele CA16025899.

ClinVar aggregate classification (germline): Uncertain significance (1 of 4 stars; one submission).

Conditions:
Familial adenomatous polyposis 1 (FAP1). Also called: FAMILIAL ADENOMATOUS POLYPOSIS 1, ATTENUATED; POLYPOSIS, ADENOMATOUS INTESTINAL. Identifiers: MedGen C2713442, MONDO:0021056, OMIM 175100. Disease mechanism: loss of function.

Submission:

Labcorp Genetics (formerly Invitae), Labcorp
Classification: Uncertain significance for Familial adenomatous polyposis 1. Last evaluated: 2016-10-21. Review status: criteria provided, single submitter. Criteria: Invitae Variant Classification Sherloc (09022015). Collection method: clinical testing. Allele origin: germline.
Comment: Algorithms developed to predict the effect of sequence changes on RNA splicing suggest that this variant may alter RNA splicing, but this prediction has not been confirmed by published transcriptional studies. In summary, this variant is a novel missense change with uncertain impact on mRNA splicing and protein function. It has been classified as a Variant of Uncertain Significance. Algorithms developed to predict the effect of missense changes on protein structure and function (SIFT, PolyPhen-2, Align-GVGD) all suggest that this variant is likely to be disruptive, but these predictions have not been confirmed by published functional studies. This variant is not present in population databases (ExAC no frequency) and has not been reported in the literature in individuals with a APC-related disease. This sequence change replaces leucine with valine at codon 698 of the APC protein (p.Leu698Val). The leucine residue is highly conserved and there is a small physicochemical difference between leucine and valine.